The following is an entry in ClinVar:

NM_001198800.3(ASCC1):c.778C>T (p.Arg260Cys)

Gene: ASCC1 (activating signal cointegrator 1 complex subunit 1; minus strand). Cytogenetic location: 10q22.1.
Variant type: single nucleotide variant.
Coding change: c.778C>T on transcript NM_001198800.3 (MANE Select); coding-DNA position 778, C replaced by T.
Protein change: p.Arg260Cys; replaces arginine 260 with cysteine.
Molecular consequence: missense variant. On other transcripts: non-coding transcript variant (1).
Genome position (GRCh38, 1-based): chr10:72,133,150, G>A on the plus strand (C>T on the coding strand, the complement: ASCC1 is on the minus strand). VCF-style: chr10-72133150-G-A. GRCh37 (hg19) VCF-style: chr10-73892908-G-A.
Other names: c.778C>T, p.Arg260Cys (NM_001198798.2, NM_001369087.1, NM_001369088.1 and 12 more transcripts); c.862C>T, p.Arg288Cys (NM_001198799.3); c.844C>T, p.Arg282Cys (NM_001369085.1, NM_001369086.1); c.724C>T, p.Arg242Cys (NM_001369099.1); c.658C>T, p.Arg220Cys (NM_001369100.1, NM_001369103.1, NM_001369104.1 and 3 more transcripts); c.661C>T, p.Arg221Cys (NM_001369101.1, NM_001369102.1, NM_001369105.1 and 2 more transcripts); c.778C>T (NM_001198800.1); short protein forms R220C, R221C, R242C, R260C, R282C, R288C.
Identifiers: ClinVar variation 2431593 (VCV002431593.3), dbSNP rs371450934, ClinGen allele CA5548924.
Genomic context (GRCh38, chr10:72,133,150, plus strand): 5'-CTGTAGCATGCAGTTTCACACTATTCCACTCTTTCACTATTAGTCCAGATGCCTGAAAAC[G>A]TTCCAGCACTCGATCAACTAATTCTTGTAGCCTGGAGAAATTGGAGAAAAGTAATGCAGA-3'
Protein context (NP_001185729.1, residues 250-270): LQELVDRVLE[Arg260Cys]FQASGLIVKE

ClinVar aggregate classification (germline): Uncertain significance. Review status: criteria provided, multiple submitters, no conflicts (2 of 4 stars). 2 submissions from 2 submitters: Uncertain significance (2). Last evaluated 2025-05-13.

Conditions:
Barrett esophagus. Also called: BARRETT METAPLASIA; Barrett's esophagus. Identifiers: Orphanet 99976, MedGen C0004763, MONDO:0013662, OMIM 614266, HP:0100580.
Inborn genetic diseases. Identifiers: MedGen C0950123, MeSH D030342.

Allele frequency attached by ClinVar (database versions not stated): gnomAD exomes below 0.00001; ExAC 0.00002; TOPMed 0.00003; gnomAD 0.00005; ESP Exome Variant Server 0.00008.
gnomAD v4.1: 15 of 1,613,818 alleles (0.00093%); highest among the groups gnomAD compares: African/African-American, 0.0093%; no homozygotes.

Submissions (2):

Ambry Genetics
Classification: Uncertain significance for Inborn genetic diseases. Last evaluated: 2025-05-13. Review status: criteria provided, single submitter. Criteria: Ambry Variant Classification Scheme 2023. Collection method: clinical testing. Allele origin: germline.

Laboratorio de Genetica e Diagnostico Molecular, Hospital Israelita Albert Einstein
Classification: Uncertain significance for Barrett esophagus. Last evaluated: 2023-02-12. Review status: criteria provided, single submitter. Criteria: ACMG Guidelines, 2015. Collection method: clinical testing. Allele origin: germline. Affected: yes.
Comment: ACMG classification criteria: PM2 supporting, BP4 supporting